The following is an entry in ClinVar:

NM_006612.6(KIF1C):c.2566C>T (p.Arg856Trp)

Gene: KIF1C (kinesin family member 1C; plus strand). Cytogenetic location: 17p13.2.
Variant type: single nucleotide variant.
Coding change: c.2566C>T on transcript NM_006612.6 (MANE Select); coding-DNA position 2566, C replaced by T.
Protein change: p.Arg856Trp; replaces arginine 856 with tryptophan.
Molecular consequence: missense variant.
Genome position (GRCh38, 1-based): chr17:5,022,647, C>T. VCF-style: chr17-5022647-C-T. GRCh37 (hg19) VCF-style: chr17-4925942-C-T.
Other names: short protein forms R856W.
Identifiers: ClinVar variation 2054440 (VCV002054440.4), dbSNP rs554739220, ClinGen allele CA8319321.

ClinVar aggregate classification (germline): Uncertain significance (1 of 4 stars; one submission).

Conditions:
Spastic ataxia 2. Also called: Ataxia, spastic, 2, autosomal recessive. Identifiers: Orphanet 397946, MedGen C1969796, MONDO:0012651, OMIM 611302.

Allele frequency attached by ClinVar (database versions not stated): 1000 Genomes Project 0.00020; 1000 Genomes Project 30x 0.00016; gnomAD 0.00001; gnomAD exomes 0.00001; TOPMed below 0.00001; ExAC 0.00002.
gnomAD v4.1: 21 of 1,602,866 alleles (0.0013%); highest among the groups gnomAD compares: Middle Eastern, 0.017%; no homozygotes.

Submission:

Labcorp Genetics (formerly Invitae), Labcorp
Classification: Uncertain significance for Spastic ataxia 2. Last evaluated: 2022-02-04. Review status: criteria provided, single submitter. Criteria: Invitae Variant Classification Sherloc (09022015). Collection method: clinical testing. Allele origin: germline.
Comment: Algorithms developed to predict the effect of missense changes on protein structure and function are either unavailable or do not agree on the potential impact of this missense change (SIFT: "Deleterious"; PolyPhen-2: "Benign"; Align-GVGD: "Class C0"). This sequence change replaces arginine, which is basic and polar, with tryptophan, which is neutral and slightly polar, at codon 856 of the KIF1C protein (p.Arg856Trp). The frequency data for this variant in the population databases is considered unreliable, as metrics indicate poor data quality at this position in the gnomAD database. This variant has not been reported in the literature in individuals affected with KIF1C-related conditions. In summary, the available evidence is currently insufficient to determine the role of this variant in disease. Therefore, it has been classified as a Variant of Uncertain Significance.